The following is an entry in ClinVar:

ClinVar aggregate classification (germline): Uncertain significance. Review status: criteria provided, multiple submitters, no conflicts (2 of 4 stars). 3 submissions from 3 submitters: Uncertain significance (3). Last evaluated 2026-01-09.

Conditions:
Renal tubular dysgenesis of genetic origin. Also called: PRIMITIVE RENAL TUBULE SYNDROME. Identifiers: Orphanet 97369, MedGen C5681536, MONDO:0009970, OMIM 267430.

Allele frequency attached by ClinVar (database versions not stated): TOPMed 0.00004; gnomAD exomes 0.00005; ExAC 0.00006; gnomAD 0.00007; ESP Exome Variant Server 0.00008; 1000 Genomes Project 30x 0.00016; 1000 Genomes Project 0.00020.
gnomAD v4.1: 88 of 1,614,162 alleles (0.0055%); highest among the groups gnomAD compares: Non-Finnish European, 0.0069%; no homozygotes.

Submissions (3):

Labcorp Genetics (formerly Invitae), Labcorp
Classification: Uncertain significance. Last evaluated: 2026-01-09. Review status: criteria provided, single submitter. Criteria: Invitae Variant Classification Sherloc (09022015). Collection method: clinical testing. Allele origin: germline.
Comment: This sequence change replaces threonine, which is neutral and polar, with alanine, which is neutral and non-polar, at codon 137 of the AGT protein (p.Thr137Ala). This variant is present in population databases (rs138340265, gnomAD 0.01%). This variant has not been reported in the literature in individuals affected with AGT-related conditions. ClinVar contains an entry for this variant (Variation ID: 2140690). Invitae Evidence Modeling of protein sequence and biophysical properties (such as structural, functional, and spatial information, amino acid conservation, physicochemical variation, residue mobility, and thermodynamic stability) indicates that this missense variant is not expected to disrupt AGT protein function with a negative predictive value of 80%. In summary, the available evidence is currently insufficient to determine the role of this variant in disease. Therefore, it has been classified as a Variant of Uncertain Significance.

Fulgent Genetics
Classification: Uncertain significance for Renal tubular dysgenesis of genetic origin. Last evaluated: 2024-05-13. Review status: criteria provided, single submitter. Criteria: ACMG Guidelines, 2015. Collection method: clinical testing. Allele origin: germline.

Department of Pathology and Laboratory Medicine, Sinai Health System
Classification: Uncertain significance for renal tubular dysgenesis of genetic origin. Last evaluated: 2021-07-30. Review status: criteria provided, single submitter. Criteria: ACMG Guidelines, 2015. Collection method: research. Allele origin: germline.

NM_001384479.1(AGT):c.382A>G (p.Thr128Ala)

Gene: AGT (angiotensinogen; minus strand). Cytogenetic location: 1q42.2.
Variant type: single nucleotide variant.
Coding change: c.382A>G on transcript NM_001384479.1 (MANE Select); coding-DNA position 382, A replaced by G.
Protein change: p.Thr128Ala; replaces threonine 128 with alanine.
Molecular consequence: missense variant.
Genome position (GRCh38, 1-based): chr1:230,710,442, T>C on the plus strand (A>G on the coding strand, the complement: AGT is on the minus strand). VCF-style: chr1-230710442-T-C. GRCh37 (hg19) VCF-style: chr1-230846188-T-C.
Other names: c.382A>G, p.Thr128Ala (NM_001382817.3); short protein forms T128A.
Identifiers: ClinVar variation 2140690 (VCV002140690.5), dbSNP rs138340265, ClinGen allele CA1448310.